The following is an entry in ClinVar:

ClinVar aggregate classification (germline): Uncertain significance. Review status: criteria provided, multiple submitters, no conflicts (2 of 4 stars). 2 submissions from 2 submitters: Uncertain significance (2). Last evaluated 2025-07-24.

Conditions:
Hereditary cancer-predisposing syndrome. Also called: Hereditary Cancer Syndrome; Hereditary neoplastic syndrome; Tumor predisposition; Neoplastic Syndromes, Hereditary. Identifiers: Orphanet 140162, MedGen C0027672, MeSH D009386, MONDO:0015356.

Submissions (2):

Ambry Genetics
Classification: Uncertain significance for Hereditary cancer-predisposing syndrome. Last evaluated: 2025-07-24. Review status: criteria provided, single submitter. Criteria: Ambry Variant Classification Scheme 2023. Collection method: clinical testing. Allele origin: germline.
Comment: The p.M518L variant (also known as c.1552A>T), located in coding exon 10 of the MSH3 gene, results from an A to T substitution at nucleotide position 1552. The methionine at codon 518 is replaced by leucine, an amino acid with highly similar properties. This amino acid position is poorly conserved in available vertebrate species. In addition, this alteration is predicted to be tolerated by in silico analysis. Since supporting evidence is limited at this time, the clinical significance of this alteration remains unclear.

Labcorp Genetics (formerly Invitae), Labcorp
Classification: Uncertain significance. Last evaluated: 2024-04-24. Review status: criteria provided, single submitter. Criteria: Invitae Variant Classification Sherloc (09022015). Collection method: clinical testing. Allele origin: germline.
Comment: This sequence change replaces methionine, which is neutral and non-polar, with leucine, which is neutral and non-polar, at codon 518 of the MSH3 protein (p.Met518Leu). This variant is not present in population databases (gnomAD no frequency). This variant has not been reported in the literature in individuals affected with MSH3-related conditions. ClinVar contains an entry for this variant (Variation ID: 1397809). An algorithm developed to predict the effect of missense changes on protein structure and function (PolyPhen-2) suggests that this variant is likely to be tolerated. In summary, the available evidence is currently insufficient to determine the role of this variant in disease. Therefore, it has been classified as a Variant of Uncertain Significance.

NM_002439.5(MSH3):c.1552A>T (p.Met518Leu)

Gene: MSH3 (mutS homolog 3; plus strand). Cytogenetic location: 5q14.1.
Variant type: single nucleotide variant.
Coding change: c.1552A>T on transcript NM_002439.5 (MANE Select); coding-DNA position 1552, A replaced by T.
Protein change: p.Met518Leu; replaces methionine 518 with leucine.
Molecular consequence: missense variant.
Genome position (GRCh38, 1-based): chr5:80,728,949, A>T. VCF-style: chr5-80728949-A-T. GRCh37 (hg19) VCF-style: chr5-80024768-A-T.
Other names: short protein forms M518L.
Identifiers: ClinVar variation 1397809 (VCV001397809.11), dbSNP rs767492134, ClinGen allele CA360274356.
Genomic context (GRCh38, chr5:80,728,949, plus strand): 5'-CCTGTGATTTGCTCTTTGGCTGCCATCATAAAATACCTCAAAGAATTCAACTTGGAAAAG[A>T]TGCTCTCCAAACCTGAGTAAGTGATTCCTCCAAAATTAAAAAAAGGGGGAGCTTATATTA-3'
Protein context (NP_002430.3, residues 508-528): KYLKEFNLEK[Met518Leu]LSKPENFKQL